The following is an entry in ClinVar:

ClinVar aggregate classification (germline): Uncertain significance (1 of 4 stars; one submission).

Conditions:
Hereditary cancer-predisposing syndrome. Also called: Tumor predisposition; Neoplastic Syndromes, Hereditary; Hereditary Cancer Syndrome; Hereditary neoplastic syndrome. Identifiers: Orphanet 140162, MedGen C0027672, MeSH D009386, MONDO:0015356.

Submission:

Ambry Genetics
Classification: Uncertain significance for Hereditary cancer-predisposing syndrome. Last evaluated: 2025-01-30. Review status: criteria provided, single submitter. Criteria: Ambry Variant Classification Scheme 2023. Collection method: clinical testing. Allele origin: germline.
Comment: The p.T121I variant (also known as c.362C>T), located in coding exon 5 of the PMS2 gene, results from a C to T substitution at nucleotide position 362. The threonine at codon 121 is replaced by isoleucine, an amino acid with similar properties. This amino acid position is not well conserved in available vertebrate species. In addition, this alteration is predicted to be tolerated by in silico analysis. Based on the available evidence, the clinical significance of this variant remains unclear.

NM_000535.7(PMS2):c.362C>T (p.Thr121Ile)

Gene: PMS2 (PMS1 homolog 2, mismatch repair system component; minus strand). Cytogenetic location: 7p22.1.
Variant type: single nucleotide variant.
Coding change: c.362C>T on transcript NM_000535.7 (MANE Select); coding-DNA position 362, C replaced by T.
Protein change: p.Thr121Ile; replaces threonine 121 with isoleucine.
Molecular consequence: missense variant. On other transcripts: 5 prime UTR variant (29), non-coding transcript variant (1), intron variant (1).
Genome position (GRCh38, 1-based): chr7:6,002,628, G>A on the plus strand (C>T on the coding strand, the complement: PMS2 is on the minus strand). VCF-style: chr7-6002628-G-A. GRCh37 (hg19) VCF-style: chr7-6042259-G-A.
Other names: c.-44C>T (NM_001322003.2, NM_001322004.2, NM_001322005.2 and 24 more transcripts); c.362C>T, p.Thr121Ile (NM_001322006.2, NM_001322014.2, NM_001406869.1 and 8 more transcripts); c.44C>T, p.Thr15Ile (NM_001322007.2, NM_001322008.2, NM_001406876.1 and 4 more transcripts); c.-523C>T (NM_001322011.2, NM_001322012.2); c.53C>T, p.Thr18Ile (NM_001322015.2, NM_001406875.1, NM_001406877.1 and 6 more transcripts); c.548C>T, p.Thr183Ile (NM_001406866.1); c.386C>T, p.Thr129Ile (NM_001406868.1); c.250+1344C>T (NM_001406885.1); short protein forms T15I, T183I, T18I, T129I, T121I.
Identifiers: ClinVar variation 3890985 (VCV003890985.1).